The following is an entry in ClinVar:

ClinVar aggregate classification (germline): Likely pathogenic. Review status: criteria provided, multiple submitters, no conflicts (2 of 4 stars). 4 submissions from 4 submitters: Likely pathogenic (4). Last evaluated 2025-10-27.

Conditions:
LZTR1-related schwannomatosis. Also called: Schwannomatosis 2; Schwannomatosis-2, susceptibility to. Identifiers: Orphanet 93921, MedGen C3810283, MONDO:0014299, OMIM 615670.
Noonan syndrome 2 (NS2). Identifiers: Orphanet 648, MedGen C1854469, MONDO:0011531, OMIM 605275.
Noonan syndrome 10 (NS10). Identifiers: Orphanet 648, MedGen C4225280, MONDO:0014693, OMIM 616564.
Hereditary cancer-predisposing syndrome. Also called: Hereditary neoplastic syndrome; Neoplastic Syndromes, Hereditary; Tumor predisposition; Hereditary Cancer Syndrome. Identifiers: Orphanet 140162, MedGen C0027672, MeSH D009386, MONDO:0015356.
Cardiovascular phenotype. Identifiers: MedGen CN230736.

Allele frequency attached by ClinVar (database versions not stated): TOPMed below 0.00001.
gnomAD v4.1: 1 of 1,584,134 alleles (0.000063%); highest among the groups gnomAD compares: Non-Finnish European, 0.000085%; no homozygotes.

Submissions (4):

Labcorp Genetics (formerly Invitae), Labcorp
Classification: Likely pathogenic. Last evaluated: 2025-10-27. Review status: criteria provided, single submitter. Criteria: Invitae Variant Classification Sherloc (09022015). Collection method: clinical testing. Allele origin: germline.
Comment: This sequence change affects an acceptor splice site in intron 8 of the LZTR1 gene. It is expected to disrupt RNA splicing. Variants that disrupt the donor or acceptor splice site typically lead to a loss of protein function (PMID: 16199547), and loss-of-function variants in LZTR1 are known to be pathogenic (PMID: 24362817, 25335493, 25480913, 25795793, 29469822, 30368668, 30442762, 30442766, 30481304, 30859559). This variant is not present in population databases (gnomAD no frequency). This variant has not been reported in the literature in individuals affected with LZTR1-related conditions. ClinVar contains an entry for this variant (Variation ID: 1761237). Algorithms developed to predict the effect of sequence changes on RNA splicing suggest that this variant may disrupt the consensus splice site. In summary, the currently available evidence indicates that the variant is pathogenic, but additional data are needed to prove that conclusively. Therefore, this variant has been classified as Likely Pathogenic.

Ambry Genetics
Classification: Likely pathogenic for Cardiovascular phenotype; Hereditary cancer-predisposing syndrome. Last evaluated: 2025-04-09. Review status: criteria provided, single submitter. Criteria: Ambry Variant Classification Scheme 2023. Collection method: clinical testing. Allele origin: germline.
Comment: The c.792-1G>A intronic variant results from a G to A substitution one nucleotide upstream from coding exon 9 of the LZTR1 gene. This nucleotide position is highly conserved in available vertebrate species. In silico splice site analysis predicts that this alteration will weaken the native splice acceptor site and will result in the creation or strengthening of a novel splice acceptor site. Loss-of-function variants in LZTR1 are related to an increased risk for schwannomas and autosomal recessive Noonan syndrome; however, such associations with autosomal dominant Noonan syndrome have not been observed (Piotrowski A et al. Nat Genet. 2014 Feb;46:182-7; Yamamoto GL et al. J Med Genet. 2015 Jun;52:413-21; Johnston JJ et al. Genet Med. 2018 10;20:1175-1185). Based on the supporting evidence, this variant is likely pathogenic for an increased risk of LZTR1-related schwannomatosis (SWN) and would be expected to cause autosomal recessive Noonan syndrome when present along with a second pathogenic or likely pathogenic variant on the other allele; however, the association of this alteration with autosomal dominant Noonan syndrome is unlikely.

Mayo Clinic Laboratories, Mayo Clinic
Classification: Likely pathogenic. Last evaluated: 2024-02-09. Review status: criteria provided, single submitter. Criteria: ACMG Guidelines, 2015. Collection method: clinical testing. Allele origin: germline. Observed: 1 variant allele.
Comment: PM2, PVS1

Juno Genomics, Hangzhou Juno Genomics, Inc
Classification: Likely pathogenic for LZTR1-related schwannomatosis; Noonan syndrome 2; Noonan syndrome 10. Review status: criteria provided, single submitter. Criteria: ACMG Guidelines, 2015. Collection method: clinical testing. Allele origin: germline.
Comment: Absent from controls (or at extremely low frequency if recessive) in Genome Aggregation Database.;Null variant in a gene where loss of function (LOF) is a known mechanism of disease.

Literature cited by the submitters: PubMed 16199547 (cited by Labcorp Genetics (formerly Invitae), Labcorp); PubMed 24362817 (cited by Labcorp Genetics (formerly Invitae), Labcorp); PubMed 25335493 (cited by Labcorp Genetics (formerly Invitae), Labcorp); PubMed 25480913 (cited by Labcorp Genetics (formerly Invitae), Labcorp); PubMed 25795793 (cited by Labcorp Genetics (formerly Invitae), Labcorp); PubMed 29469822 (cited by Labcorp Genetics (formerly Invitae), Labcorp); PubMed 30368668 (cited by Labcorp Genetics (formerly Invitae), Labcorp); PubMed 30442762 (cited by Labcorp Genetics (formerly Invitae), Labcorp); PubMed 30442766 (cited by Labcorp Genetics (formerly Invitae), Labcorp); PubMed 30481304 (cited by Labcorp Genetics (formerly Invitae), Labcorp); PubMed 30859559 (cited by Labcorp Genetics (formerly Invitae), Labcorp).

NM_006767.4(LZTR1):c.792-1G>A

Gene: LZTR1 (leucine zipper like post translational regulator 1; plus strand). Cytogenetic location: 22q11.21.
Variant type: single nucleotide variant.
Coding change: c.792-1G>A on transcript NM_006767.4 (MANE Select); the canonical splice acceptor site of the intron before coding-DNA position 792, G replaced by A.
Molecular consequence: splice acceptor variant.
Genome position (GRCh38, 1-based): chr22:20,991,627, G>A. VCF-style: chr22-20991627-G-A. GRCh37 (hg19) VCF-style: chr22-21345916-G-A.
Identifiers: ClinVar variation 1761237 (VCV001761237.9), dbSNP rs761185148, ClinGen allele CA10118639.